The following is an entry in ClinVar:

NM_001286577.2(C2CD3):c.2704C>A (p.Pro902Thr)

Gene: C2CD3 (C2 domain containing 3 centriole elongation regulator; minus strand). Cytogenetic location: 11q13.4.
Variant type: single nucleotide variant.
Coding change: c.2704C>A on transcript NM_001286577.2 (MANE Select); coding-DNA position 2704, C replaced by A.
Protein change: p.Pro902Thr; replaces proline 902 with threonine.
Molecular consequence: missense variant.
Genome position (GRCh38, 1-based): chr11:74,100,553, G>T on the plus strand (C>A on the coding strand, the complement: C2CD3 is on the minus strand). VCF-style: chr11-74100553-G-T. GRCh37 (hg19) VCF-style: chr11-73811598-G-T.
Other names: p.Pro902Thr; c.2704C>A, p.Pro902Thr (NM_015531.6); short protein forms P902T.
Identifiers: ClinVar variation 1030511 (VCV001030511.6), dbSNP rs990276989, ClinGen allele CA224516632.
Genomic context (GRCh38, chr11:74,100,553, plus strand): 5'-CAATAAAGAATACTCCAAAAGGTCCTATTTACTTGAATGACATGTAAAACTGGTGGAGGG[G>T]AAGTTTCACCAGCCCGAGCAGCTTGTCCTGTCCTGGGCTCCGCACCTTATTCCAAGTTTC-3'
Protein context (NP_001273506.1, residues 892-912): QDKLLGLVKL[Pro902Thr]LHQFYMSFKD

ClinVar aggregate classification (germline): Uncertain significance/VUS-high. Review status: criteria provided, multiple submitters, no conflicts (2 of 4 stars). 3 submissions from 3 submitters: Uncertain significance (2); VUS-high (1). Last evaluated 2026-06-21.

Conditions:
Orofaciodigital syndrome type 14. Also called: Orofaciodigital syndrome xiv. Identifiers: Orphanet 434179, MedGen C4706604, MONDO:0014413, OMIM 615948.

Allele frequency attached by ClinVar (database versions not stated): gnomAD exomes below 0.00001; gnomAD 0.00001; TOPMed 0.00001.
gnomAD v4.1: 7 of 1,612,334 alleles (0.00043%); highest among the groups gnomAD compares: Middle Eastern, 0.033%; no homozygotes.

Submissions (3):

Department of Molecular Genetics, Istishari Arab Hospital
Classification: VUS-high for Orofaciodigital syndrome type 14. Last evaluated: 2026-06-21. Review status: criteria provided, single submitter. Criteria: ACMG Guidelines, 2015. Collection method: clinical testing. Allele origin: germline. Inheritance: Autosomal recessive inheritance. Affected: yes.
Comment: The C2CD3 variant c.2704C>A, p.Pro902Thr creates an amino acid change from Pro to Thr at position 902. This variant was observed with very low frequency in the gnomAD v4.1.0 dataset (<0.001). To the best of our knowledge, this variant was not previously reported in the literature. It is classified as a variant of uncertain significance based on the implementation of the ACMG/AMP/ClinGen SVI guidelines.

Labcorp Genetics (formerly Invitae), Labcorp
Classification: Uncertain significance. Last evaluated: 2022-06-09. Review status: criteria provided, single submitter. Criteria: Invitae Variant Classification Sherloc (09022015). Collection method: clinical testing. Allele origin: germline.
Comment: In summary, the available evidence is currently insufficient to determine the role of this variant in disease. Therefore, it has been classified as a Variant of Uncertain Significance. Algorithms developed to predict the effect of missense changes on protein structure and function (SIFT, PolyPhen-2, Align-GVGD) all suggest that this variant is likely to be disruptive. ClinVar contains an entry for this variant (Variation ID: 1030511). This variant has not been reported in the literature in individuals affected with C2CD3-related conditions. This variant is present in population databases (no rsID available, gnomAD 0.003%). This sequence change replaces proline, which is neutral and non-polar, with threonine, which is neutral and polar, at codon 902 of the C2CD3 protein (p.Pro902Thr).

Baylor Genetics
Classification: Uncertain significance for Orofaciodigital syndrome type 14. Last evaluated: 2020-07-08. Review status: criteria provided, single submitter. Criteria: ACMG Guidelines, 2015. Collection method: clinical testing. Allele origin: unknown. Affected: yes.
Comment: This variant was determined to be of uncertain significance according to ACMG Guidelines, 2015 [PMID:25741868].